The following is an entry in ClinVar:

ClinVar aggregate classification (germline): Pathogenic (1 of 4 stars; one submission).

Submission:

Labcorp Genetics (formerly Invitae), Labcorp
Classification: Pathogenic. Last evaluated: 2023-01-24. Review status: criteria provided, single submitter. Criteria: Invitae Variant Classification Sherloc (09022015). Collection method: clinical testing. Allele origin: germline.
Comment: For these reasons, this variant has been classified as Pathogenic. This variant disrupts a region of the SLC45A2 protein in which other variant(s) (p.Cys229Tyr) have been determined to be pathogenic (PMID: 16965274, 22042571). This suggests that this is a clinically significant region of the protein, and that variants that disrupt it are likely to be disease-causing. This variant has not been reported in the literature in individuals affected with SLC45A2-related conditions. This variant results in the deletion of part of exon 3 (c.670_888+2248delinsC) of the SLC45A2 gene. It is expected to disrupt RNA splicing. Variants that disrupt the donor or acceptor splice site typically lead to a loss of protein function (PMID: 16199547), and loss-of-function variants in SLC45A2 are known to be pathogenic (PMID: 21458243, 26573111).

Literature cited by the submitters: PubMed 16965274; PubMed 22042571; PubMed 16199547; PubMed 21458243; PubMed 26573111.

NC_000005.9:g.(?_33961548)_(33964014_?)del

Gene: SLC45A2 (solute carrier family 45 member 2; minus strand). Cytogenetic location: 5p13.2.
Variant type: Deletion.
Identifiers: ClinVar variation 1520860 (VCV001520860.5).